The following is an entry in ClinVar:

NM_000059.4(BRCA2):c.3119C>T (p.Thr1040Ile)

Gene: BRCA2 (BRCA2 DNA repair associated; plus strand). Cytogenetic location: 13q13.1.
Variant type: single nucleotide variant.
Coding change: c.3119C>T on transcript NM_000059.4 (MANE Select); coding-DNA position 3119, C replaced by T.
Protein change: p.Thr1040Ile; replaces threonine 1040 with isoleucine.
Molecular consequence: missense variant.
Genome position (GRCh38, 1-based): chr13:32,337,474, C>T. VCF-style: chr13-32337474-C-T. GRCh37 (hg19) VCF-style: chr13-32911611-C-T.
Other names: short protein forms T1040I.
Identifiers: ClinVar variation 141074 (VCV000141074.11), dbSNP rs587781475, ClinGen allele CA017265.

ClinVar aggregate classification (germline): Conflicting classifications of pathogenicity. Review status: criteria provided, conflicting classifications (1 of 4 stars). 4 submissions from 4 submitters: Uncertain significance (3); Likely benign (1). Last evaluated 2025-09-25.

Conditions:
Hereditary cancer-predisposing syndrome. Also called: Neoplastic Syndromes, Hereditary; Hereditary Cancer Syndrome; Tumor predisposition; Hereditary neoplastic syndrome. Identifiers: Orphanet 140162, MedGen C0027672, MeSH D009386, MONDO:0015356.

gnomAD v4.1: 1 of 1,610,466 alleles (0.000062%); no homozygotes.

Submissions (4):

Ambry Genetics
Classification: Uncertain significance for Hereditary cancer-predisposing syndrome. Last evaluated: 2025-09-25. Review status: criteria provided, single submitter. Criteria: Ambry Variant Classification Scheme 2023. Collection method: clinical testing. Allele origin: germline.
Comment: The p.T1040I variant (also known as c.3119C>T), located in coding exon 10 of the BRCA2 gene, results from a C to T substitution at nucleotide position 3119. The threonine at codon 1040 is replaced by isoleucine, an amino acid with similar properties. This amino acid position is poorly conserved in available vertebrate species. In addition, this alteration is predicted to be tolerated by in silico analysis. Based on the available evidence, the clinical significance of this variant remains unclear.

Quest Diagnostics Nichols Institute San Juan Capistrano
Classification: Uncertain significance. Last evaluated: 2024-05-23. Review status: criteria provided, single submitter. Criteria: Quest Diagnostics criteria. Collection method: clinical testing. Allele origin: unknown.
Comment: The BRCA2 c.3119C>T (p.Thr1040Ile) variant has been reported in the published literature to be located in a region of the BRCA2 gene that is tolerant to missense sequence changes (PMID: 31911673 (2020)). To the best of our knowledge, this variant has not been reported in individuals with BRCA2-related disorders. This variant has not been reported in large, multi-ethnic general populations (Genome Aggregation Database). Analysis of this variant using bioinformatics tools for the prediction of the effect of amino acid changes on protein structure and function yielded predictions that this variant is benign. Based on the available information, we are unable to determine the clinical significance of this variant.

University of Washington Department of Laboratory Medicine, University of Washington
Classification: Likely benign for Hereditary cancer-predisposing syndrome. Last evaluated: 2023-03-23. Review status: criteria provided, single submitter. Criteria: Dines et al. (Genet Med. 2020). Collection method: curation. Allele origin: germline.
Comment: Missense variant in a coldspot region where missense variants are very unlikely to be pathogenic (PMID:31911673).

BRCA2 exon 11 coldspot. Reclassification based on statistical prior probability.

Color Diagnostics, LLC DBA Color Health
Classification: Uncertain significance for Hereditary cancer-predisposing syndrome. Last evaluated: 2019-12-23. Review status: criteria provided, single submitter. Criteria: ACMG Guidelines, 2015. Collection method: clinical testing. Allele origin: germline.
Comment: This missense variant replaces threonine with isoleucine at codon 1040 of the BRCA2 protein. Computational prediction suggests that this variant may not impact protein structure and function (internally defined REVEL score threshold <= 0.5, PMID: 27666373). Splice site prediction tools suggest that this variant may not impact RNA splicing. To our knowledge, functional studies have not been performed for this variant. This variant has not been reported in individuals affected with hereditary cancer in the literature. This variant has not been identified in the general population by the Genome Aggregation Database (gnomAD). The available evidence is insufficient to determine the role of this variant in disease conclusively. Therefore, this variant is classified as a Variant of Uncertain Significance.

Literature cited by the submitters: PubMed 31911673 (cited by Quest Diagnostics Nichols Institute San Juan Capistrano).